The following is an entry in ClinVar:

NM_002661.5(PLCG2):c.2729T>C (p.Ile910Thr)

Gene: PLCG2 (phospholipase C gamma 2; plus strand). Cytogenetic location: 16q23.3.
Variant type: single nucleotide variant.
Coding change: c.2729T>C on transcript NM_002661.5 (MANE Select); coding-DNA position 2729, T replaced by C.
Protein change: p.Ile910Thr; replaces isoleucine 910 with threonine.
Molecular consequence: missense variant.
Genome position (GRCh38, 1-based): chr16:81,931,644, T>C. VCF-style: chr16-81931644-T-C. GRCh37 (hg19) VCF-style: chr16-81965249-T-C.
Other names: short protein forms I910T.
Identifiers: ClinVar variation 2416726 (VCV002416726.6), dbSNP rs1302659713, ClinGen allele CA396903871.

ClinVar aggregate classification (germline): Uncertain significance (1 of 4 stars; one submission).

Conditions:
Familial cold autoinflammatory syndrome 3 (FCAS3). Also called: FAMILIAL ATYPICAL COLD URTICARIA; ANTIBODY DEFICIENCY AND IMMUNE DYSREGULATION, PLCG2-ASSOCIATED. Identifiers: Orphanet 300359, MedGen C3280914, MONDO:0013766, OMIM 614468.

Allele frequency attached by ClinVar (database versions not stated): gnomAD exomes below 0.00001; 1000 Genomes Project 30x 0.00016.
gnomAD v4.1: 5 of 1,613,644 alleles (0.00031%); highest among the groups gnomAD compares: African/African-American, 0.0013%; no homozygotes.

Submission:

Labcorp Genetics (formerly Invitae), Labcorp
Classification: Uncertain significance for Familial cold autoinflammatory syndrome 3. Last evaluated: 2025-11-04. Review status: criteria provided, single submitter. Criteria: Invitae Variant Classification Sherloc (09022015). Collection method: clinical testing. Allele origin: germline.
Comment: This sequence change replaces isoleucine, which is neutral and non-polar, with threonine, which is neutral and polar, at codon 910 of the PLCG2 protein (p.Ile910Thr). This variant is present in population databases (no rsID available, gnomAD 0.0009%). This variant has not been reported in the literature in individuals affected with PLCG2-related conditions. ClinVar contains an entry for this variant (Variation ID: 2416726). An algorithm developed to predict the effect of missense changes on protein structure and function (PolyPhen-2) suggests that this variant is likely to be tolerated. In summary, the available evidence is currently insufficient to determine the role of this variant in disease. Therefore, it has been classified as a Variant of Uncertain Significance.